The following is an entry in ClinVar:

NM_018896.5(CACNA1G):c.6401C>T (p.Ala2134Val)

Gene: CACNA1G (calcium voltage-gated channel subunit alpha1 G; plus strand). Cytogenetic location: 17q21.33.
Variant type: single nucleotide variant.
Coding change: c.6401C>T on transcript NM_018896.5 (MANE Select); coding-DNA position 6401, C replaced by T.
Protein change: p.Ala2134Val; replaces alanine 2134 with valine.
Molecular consequence: missense variant. On other transcripts: non-coding transcript variant (5).
Genome position (GRCh38, 1-based): chr17:50,626,018, C>T. VCF-style: chr17-50626018-C-T. GRCh37 (hg19) VCF-style: chr17-48703379-C-T.
Other names: c.6212C>T, p.Ala2071Val (NM_001256324.2); c.6143C>T, p.Ala2048Val (NM_001256325.2); c.6131C>T, p.Ala2044Val (NM_001256326.2); c.6101C>T, p.Ala2034Val (NM_001256327.2); c.6047C>T, p.Ala2016Val (NM_001256328.2); c.6020C>T, p.Ala2007Val (NM_001256329.2, NM_198376.3, NM_198387.3); c.5987C>T, p.Ala1996Val (NM_001256330.2); c.5966C>T, p.Ala1989Val (NM_001256331.2); and 15 more; short protein forms A1984V, A1989V, A1996V, A2000V, A2003V, A2005V, A2007V, A2014V.
Identifiers: ClinVar variation 2413055 (VCV002413055.2), dbSNP rs2053725989, ClinGen allele CA400235902.

ClinVar aggregate classification (germline): Uncertain significance (1 of 4 stars; one submission).

Allele frequency attached by ClinVar (database versions not stated): gnomAD exomes below 0.00001.

Submission:

GeneDx
Classification: Uncertain significance. Last evaluated: 2022-07-29. Review status: criteria provided, single submitter. Criteria: GeneDx Variant Classification Process June 2021. Collection method: clinical testing. Allele origin: germline. Affected: yes.
Comment: Not observed at significant frequency in large population cohorts (gnomAD); In silico analysis supports that this missense variant does not alter protein structure/function; Has not been previously published as pathogenic or benign to our knowledge